The following is an entry in ClinVar:

NM_001111067.4(ACVR1):c.1483_1484del (p.Leu495fs)

Gene: ACVR1 (activin A receptor type 1; minus strand). Cytogenetic location: 2q24.1.
Variant type: Deletion.
Coding change: c.1483_1484del on transcript NM_001111067.4 (MANE Select); coding-DNA positions 1483 to 1484, 2 bases deleted (TT; older notation c.1483_1484delTT).
Protein change: p.Leu495fs; shifts the reading frame from leucine 495.
Molecular consequence: frameshift variant.
Genome position (GRCh38, 1-based): chr2:157,737,577-157,737,578, AA deleted on the plus strand (TT on the coding strand, the reverse complement: ACVR1 is on the minus strand); deleting any 2 consecutive bases within chr2:157,737,577-157,737,579 gives the same sequence; the c. name uses the placement nearest the transcript's 3' end. VCF-style (leftmost placement, unchanged base first): chr2-157737576-CAA-C. GRCh37 (hg19) VCF-style: chr2-158594088-CAA-C.
Other names: c.1483_1484del, p.Leu495fs (NM_001105.5, NM_001347663.1, NM_001347664.1 and 3 more transcripts); short protein forms L495fs.
Identifiers: ClinVar variation 2702296 (VCV002702296.3), dbSNP rs1299357880, ClinGen allele CA759432669.

ClinVar aggregate classification (germline): Uncertain significance (1 of 4 stars; one submission).

Submission:

Labcorp Genetics (formerly Invitae), Labcorp
Classification: Uncertain significance. Last evaluated: 2023-12-12. Review status: criteria provided, single submitter. Criteria: Invitae Variant Classification Sherloc (09022015). Collection method: clinical testing. Allele origin: germline.
Comment: This sequence change creates a premature translational stop signal (p.Leu495Aspfs*4) in the ACVR1 gene. While this is not anticipated to result in nonsense mediated decay, it is expected to disrupt the last 15 amino acid(s) of the ACVR1 protein. This variant is not present in population databases (gnomAD no frequency). This variant has not been reported in the literature in individuals affected with ACVR1-related conditions. In summary, the available evidence is currently insufficient to determine the role of this variant in disease. Therefore, it has been classified as a Variant of Uncertain Significance.